The following is an entry in ClinVar:

NM_173630.4(RTTN):c.4082A>G (p.His1361Arg)

Gene: RTTN (rotatin; minus strand). Cytogenetic location: 18q22.2.
Variant type: single nucleotide variant.
Coding change: c.4082A>G on transcript NM_173630.4 (MANE Select); coding-DNA position 4082, A replaced by G.
Protein change: p.His1361Arg; replaces histidine 1361 with arginine.
Molecular consequence: missense variant.
Genome position (GRCh38, 1-based): chr18:70,092,171, T>C on the plus strand (A>G on the coding strand, the complement: RTTN is on the minus strand). VCF-style: chr18-70092171-T-C. GRCh37 (hg19) VCF-style: chr18-67759407-T-C.
Other names: c.1346A>G, p.His449Arg (NM_001318520.2); short protein forms H1361R, H449R.
Identifiers: ClinVar variation 1363661 (VCV001363661.8), dbSNP rs1385408892, ClinGen allele CA402685546.

ClinVar aggregate classification (germline): Uncertain significance (1 of 4 stars; one submission).

Allele frequency attached by ClinVar (database versions not stated): gnomAD exomes below 0.00001.
gnomAD v4.1: 2 of 1,613,714 alleles (0.00012%); highest among the groups gnomAD compares: Non-Finnish European, 0.00017%; no homozygotes.

Submission:

Labcorp Genetics (formerly Invitae), Labcorp
Classification: Uncertain significance. Last evaluated: 2021-12-02. Review status: criteria provided, single submitter. Criteria: Invitae Variant Classification Sherloc (09022015). Collection method: clinical testing. Allele origin: germline.
Comment: Algorithms developed to predict the effect of missense changes on protein structure and function output the following: SIFT: "Tolerated"; PolyPhen-2: "Benign"; Align-GVGD: "Class C0". The arginine amino acid residue is found in multiple mammalian species, which suggests that this missense change does not adversely affect protein function. In summary, the available evidence is currently insufficient to determine the role of this variant in disease. Therefore, it has been classified as a Variant of Uncertain Significance. This variant has not been reported in the literature in individuals affected with RTTN-related conditions. This variant is present in population databases (no rsID available, gnomAD 0.0009%). This sequence change replaces histidine, which is basic and polar, with arginine, which is basic and polar, at codon 1361 of the RTTN protein (p.His1361Arg).